The following is an entry in ClinVar:

ClinVar aggregate classification (germline): Uncertain significance. Review status: criteria provided, multiple submitters, no conflicts (2 of 4 stars). 3 submissions from 3 submitters: Uncertain significance (3). Last evaluated 2025-08-09.

Conditions:
Inborn genetic diseases. Identifiers: MedGen C0950123, MeSH D030342.
Sucrase-isomaltase deficiency (CSID). Also called: Deficiency of isomaltase; Congenital sucrose isomaltose malabsorption; Sucrose isomaltose enzyme deficiency; SI DEFICIENCY. Identifiers: Orphanet 35122, MedGen C1283620, MONDO:0009114, OMIM 222900.

Allele frequency attached by ClinVar (database versions not stated): gnomAD exomes 0.00001 and 0.00003; ExAC 0.00003; gnomAD 0.00004; TOPMed 0.00008.

Submissions (3):

Ambry Genetics
Classification: Uncertain significance for Inborn genetic diseases. Last evaluated: 2025-08-09. Review status: criteria provided, single submitter. Criteria: Ambry Variant Classification Scheme 2023. Collection method: clinical testing. Allele origin: germline.

Fulgent Genetics
Classification: Uncertain significance for Sucrase-isomaltase deficiency. Last evaluated: 2024-04-23. Review status: criteria provided, single submitter. Criteria: ACMG Guidelines, 2015. Collection method: clinical testing. Allele origin: germline.

Labcorp Genetics (formerly Invitae), Labcorp
Classification: Uncertain significance. Last evaluated: 2024-01-09. Review status: criteria provided, single submitter. Criteria: Invitae Variant Classification Sherloc (09022015). Collection method: clinical testing. Allele origin: germline.
Comment: This sequence change replaces aspartic acid, which is acidic and polar, with valine, which is neutral and non-polar, at codon 1174 of the SI protein (p.Asp1174Val). This variant is present in population databases (rs750344760, gnomAD 0.009%). This variant has not been reported in the literature in individuals affected with SI-related conditions. ClinVar contains an entry for this variant (Variation ID: 1374118). An algorithm developed to predict the effect of missense changes on protein structure and function (PolyPhen-2) suggests that this variant is likely to be disruptive. Algorithms developed to predict the effect of sequence changes on RNA splicing suggest that this variant may disrupt the consensus splice site. In summary, the available evidence is currently insufficient to determine the role of this variant in disease. Therefore, it has been classified as a Variant of Uncertain Significance.

NM_001041.4(SI):c.3521A>T (p.Asp1174Val)

Gene: SI (sucrase-isomaltase; minus strand). Cytogenetic location: 3q26.1.
Variant type: single nucleotide variant.
Coding change: c.3521A>T on transcript NM_001041.4 (MANE Select); coding-DNA position 3521, A replaced by T.
Protein change: p.Asp1174Val; replaces aspartic acid 1174 with valine.
Molecular consequence: missense variant.
Genome position (GRCh38, 1-based): chr3:165,017,873, T>A on the plus strand (A>T on the coding strand, the complement: SI is on the minus strand). VCF-style: chr3-165017873-T-A. GRCh37 (hg19) VCF-style: chr3-164735661-T-A.
Other names: c.3521A>T (NM_001041.3); short protein forms D1174V.
Identifiers: ClinVar variation 1374118 (VCV001374118.8), dbSNP rs750344760, ClinGen allele CA2690229.
Genomic context (GRCh38, chr3:165,017,873, plus strand): 5'-AAATCCAAGATCCCTCCAACTGTACGGTAAGTTAGAGCAGGAGTTGGCTGGAATGTAACA[T>A]CTGGAAATCCAAAATAACATCCCATTTTCATCTATGTATACTAGTTTATGAAAAAGTCAC-3'
Protein context (NP_001032.2, residues 1164-1184): GVFLLNSNAM[Asp1174Val]VTFQPTPALT